The following is an entry in ClinVar:

NM_018051.5(DYNC2I1):c.2666C>T (p.Thr889Ile)

Gene: DYNC2I1 (dynein 2 intermediate chain 1; plus strand). Cytogenetic location: 7q36.3.
Variant type: single nucleotide variant.
Coding change: c.2666C>T on transcript NM_018051.5 (MANE Select); coding-DNA position 2666, C replaced by T.
Protein change: p.Thr889Ile; replaces threonine 889 with isoleucine.
Molecular consequence: missense variant.
Genome position (GRCh38, 1-based): chr7:158,934,437, C>T. VCF-style: chr7-158934437-C-T. GRCh37 (hg19) VCF-style: chr7-158727128-C-T.
Other names: c.2528C>T, p.Thr843Ile (NM_001350914.2); c.2093C>T, p.Thr698Ile (NM_001350915.2); c.1205C>T, p.Thr402Ile (NM_001350916.2); c.1418C>T, p.Thr473Ile (NM_001350917.2, NM_001350918.2); c.2666C>T (NM_018051.4); short protein forms T473I, T889I, T402I, T698I, T843I.
Identifiers: ClinVar variation 2097280 (VCV002097280.2), dbSNP rs187037474, ClinGen allele CA4595071.

ClinVar aggregate classification (germline): Uncertain significance. Review status: criteria provided, multiple submitters, no conflicts (2 of 4 stars). 2 submissions from 2 submitters: Uncertain significance (2). Last evaluated 2024-07-31.

Conditions:
Inborn genetic diseases. Identifiers: MedGen C0950123, MeSH D030342.
Short-rib thoracic dysplasia 8 with or without polydactyly (SRTD8). Also called: SHORT-RIB THORACIC DYSPLASIA 8 WITH POLYDACTYLY. Identifiers: Orphanet 93271, MedGen C3809691, MONDO:0014214, OMIM 615503.

Allele frequency attached by ClinVar (database versions not stated): ExAC 0.00006; 1000 Genomes Project 30x 0.00016; ESP Exome Variant Server 0.00017; 1000 Genomes Project 0.00020; gnomAD 0.00022; TOPMed 0.00022.
gnomAD v4.1: 66 of 1,602,622 alleles (0.0041%); highest among the groups gnomAD compares: African/African-American, 0.065%; no homozygotes.

Submissions (2):

Ambry Genetics
Classification: Uncertain significance for Inborn genetic diseases. Last evaluated: 2024-07-31. Review status: criteria provided, single submitter. Criteria: Ambry Variant Classification Scheme 2023. Collection method: clinical testing. Allele origin: germline.

Labcorp Genetics (formerly Invitae), Labcorp
Classification: Uncertain significance for Short-rib thoracic dysplasia 8 with or without polydactyly. Last evaluated: 2022-04-05. Review status: criteria provided, single submitter. Criteria: Invitae Variant Classification Sherloc (09022015). Collection method: clinical testing. Allele origin: germline.
Comment: This sequence change replaces threonine, which is neutral and polar, with isoleucine, which is neutral and non-polar, at codon 889 of the WDR60 protein (p.Thr889Ile). This variant is present in population databases (rs187037474, gnomAD 0.07%). This variant has not been reported in the literature in individuals affected with WDR60-related conditions. Algorithms developed to predict the effect of missense changes on protein structure and function (SIFT, PolyPhen-2, Align-GVGD) all suggest that this variant is likely to be tolerated. In summary, the available evidence is currently insufficient to determine the role of this variant in disease. Therefore, it has been classified as a Variant of Uncertain Significance.